The following is an entry in ClinVar:

NM_133433.4(NIPBL):c.5684G>C (p.Arg1895Thr)

Gene: NIPBL (NIPBL cohesin loading factor; plus strand). Cytogenetic location: 5p13.2.
Variant type: single nucleotide variant.
Coding change: c.5684G>C on transcript NM_133433.4 (MANE Select); coding-DNA position 5684, G replaced by C.
Protein change: p.Arg1895Thr; replaces arginine 1895 with threonine.
Molecular consequence: missense variant.
Genome position (GRCh38, 1-based): chr5:37,024,694, G>C. VCF-style: chr5-37024694-G-C. GRCh37 (hg19) VCF-style: chr5-37024796-G-C.
Other names: c.5684G>C, p.Arg1895Thr (NM_015384.5); short protein forms R1895T.
Identifiers: ClinVar variation 3340514 (VCV003340514.1).

ClinVar aggregate classification (germline): Likely pathogenic (1 of 4 stars; one submission).

Conditions:
Cornelia de Lange syndrome 1 (CDLS1). Also called: TYPUS DEGENERATIVUS AMSTELODAMENSIS; NIPBL-Related Cornelia de Lange Syndrome; Brachmann de Lange syndrome. Identifiers: Orphanet 199, MedGen C4551851, MONDO:0007387, OMIM 122470.

Submission:

Diagnostics Services (NGS), CSIR - Centre For Cellular And Molecular Biology
Classification: Likely pathogenic for Cornelia de Lange syndrome 1. Last evaluated: 2024-09-12. Review status: criteria provided, single submitter. Criteria: ACMG Guidelines, 2015. Collection method: clinical testing. Allele origin: unknown. Affected: yes. Observed: 1 variant allele, 1 heterozygote.
Comment: The c.5684G>C variant is not present in publicly available population databases like 1000 Genomes, EVS, ExAC, gnomAD, Indian Exome Database or our in-house exome database. This variant has been previously observed in patients affected with classic CDLS [PMID: 18854353, 28059076] and reported to the Human Genome Mutation Database (HGMD ID- CM103804). In-silico pathogenicity prediction programs like SIFT, Polyphen-2, MutationTaster2, CADD etc predicted this variant to be likely deleterious however these predictions were not confirmed by published functional studies. Functional studies have shown that this variant slightly alters the NIPBL function that may lead to a mild phenotype [PMID: 18854353].

Literature cited by the submitters: PubMed 18854353; PubMed 28059076.